The following is an entry in ClinVar:

NM_021076.4(NEFH):c.413dup (p.Arg139fs)

Gene: NEFH (neurofilament heavy chain; plus strand). Cytogenetic location: 22q12.2.
Variant type: Duplication.
Coding change: c.413dup on transcript NM_021076.4 (MANE Select); coding-DNA position 413, one base duplicated (G; older notation c.413dupG).
Protein change: p.Arg139fs; shifts the reading frame from arginine 139.
Molecular consequence: frameshift variant.
Genome position (GRCh38, 1-based): chr22:29,480,675, G duplicated; the last of 3 consecutive G bases (chr22:29,480,673-29,480,675); duplicating any one gives the same sequence. VCF-style (leftmost placement, unchanged base first): chr22-29480672-C-CG. GRCh37 (hg19) VCF-style: chr22-29876661-C-CG.
Other names: short protein forms R139fs.
Identifiers: ClinVar variation 2039168 (VCV002039168.4), dbSNP rs2517968733, ClinGen allele CA2580099464.

ClinVar aggregate classification (germline): Uncertain significance (1 of 4 stars; one submission).

Submission:

Labcorp Genetics (formerly Invitae), Labcorp
Classification: Uncertain significance. Last evaluated: 2022-02-14. Review status: criteria provided, single submitter. Criteria: Invitae Variant Classification Sherloc (09022015). Collection method: clinical testing. Allele origin: germline.
Comment: In summary, the available evidence is currently insufficient to determine the role of this variant in disease. Therefore, it has been classified as a Variant of Uncertain Significance. This variant has not been reported in the literature in individuals affected with NEFH-related conditions. This variant is not present in population databases (gnomAD no frequency). This sequence change creates a premature translational stop signal (p.Arg139Profs*141) in the NEFH gene. It is expected to result in an absent or disrupted protein product. However, the current clinical and genetic evidence is not sufficient to establish whether loss-of-function variants in NEFH cause disease.